The following is an entry in ClinVar:

NM_000059.4(BRCA2):c.232C>G (p.Pro78Ala)

Gene: BRCA2 (BRCA2 DNA repair associated; plus strand). Cytogenetic location: 13q13.1.
Variant type: single nucleotide variant.
Coding change: c.232C>G on transcript NM_000059.4 (MANE Select); coding-DNA position 232, C replaced by G.
Protein change: p.Pro78Ala; replaces proline 78 with alanine.
Molecular consequence: missense variant. On other transcripts: 5 prime UTR variant (1), non-coding transcript variant (1).
Genome position (GRCh38, 1-based): chr13:32,319,241, C>G. VCF-style: chr13-32319241-C-G. GRCh37 (hg19) VCF-style: chr13-32893378-C-G.
Other names: c.232C>G, p.Pro78Ala (NM_001406719.1, NM_001406720.1, NM_001406721.1); c.-138C>G (NM_001406722.1); short protein forms P78A.
Identifiers: ClinVar variation 2586280 (VCV002586280.2), dbSNP rs398122745, ClinGen allele CA387754497.

ClinVar aggregate classification (germline): Uncertain significance (1 of 4 stars; one submission).

Conditions:
Hereditary cancer-predisposing syndrome. Also called: Hereditary neoplastic syndrome; Tumor predisposition; Hereditary Cancer Syndrome; Neoplastic Syndromes, Hereditary. Identifiers: Orphanet 140162, MedGen C0027672, MeSH D009386, MONDO:0015356.

Submission:

Ambry Genetics
Classification: Uncertain significance for Hereditary cancer-predisposing syndrome. Last evaluated: 2023-06-30. Review status: criteria provided, single submitter. Criteria: Ambry Variant Classification Scheme 2023. Collection method: clinical testing. Allele origin: germline.
Comment: The p.P78A variant (also known as c.232C>G), located in coding exon 2 of the BRCA2 gene, results from a C to G substitution at nucleotide position 232. The proline at codon 78 is replaced by alanine, an amino acid with highly similar properties. This amino acid position is conserved. In addition, this alteration is predicted to be tolerated by in silico analysis. Since supporting evidence is limited at this time, the clinical significance of this alteration remains unclear.